The following is an entry in ClinVar:

ClinVar aggregate classification (germline): Uncertain significance (1 of 4 stars; one submission).

Conditions:
Severe combined immunodeficiency due to DNA-PKcs deficiency. Also called: Immunodeficiency 26 with or without neurologic abnormalities; IMMUNODEFICIENCY 26 WITH NEUROLOGIC ABNORMALITIES. Identifiers: Orphanet 317425, MedGen C4014833, MONDO:0014423, OMIM 615966.

Allele frequency attached by ClinVar (database versions not stated): gnomAD 0.00001.
gnomAD v4.1: 34 of 1,586,306 alleles (0.0021%); highest among the groups gnomAD compares: Non-Finnish European, 0.0029%; no homozygotes.

Submission:

Labcorp Genetics (formerly Invitae), Labcorp
Classification: Uncertain significance for Severe combined immunodeficiency due to DNA-PKcs deficiency. Last evaluated: 2022-07-11. Review status: criteria provided, single submitter. Criteria: Invitae Variant Classification Sherloc (09022015). Collection method: clinical testing. Allele origin: germline.
Comment: This variant has not been reported in the literature in individuals affected with PRKDC-related conditions. ClinVar contains an entry for this variant (Variation ID: 1392487). Experimental studies and prediction algorithms are not available or were not evaluated, and the functional significance of this variant is currently unknown. This sequence change replaces proline, which is neutral and non-polar, with serine, which is neutral and polar, at codon 2457 of the PRKDC protein (p.Pro2457Ser). This variant is present in population databases (rs763641731, gnomAD 0.001%). In summary, the available evidence is currently insufficient to determine the role of this variant in disease. Therefore, it has been classified as a Variant of Uncertain Significance.

NM_006904.7(PRKDC):c.7369C>T (p.Pro2457Ser)

Gene: PRKDC (protein kinase, DNA-activated, catalytic subunit; minus strand). Cytogenetic location: 8q11.21.
Variant type: single nucleotide variant.
Coding change: c.7369C>T on transcript NM_006904.7 (MANE Select); coding-DNA position 7369, C replaced by T.
Protein change: p.Pro2457Ser; replaces proline 2457 with serine.
Molecular consequence: missense variant.
Genome position (GRCh38, 1-based): chr8:47,840,101, G>A on the plus strand (C>T on the coding strand, the complement: PRKDC is on the minus strand). VCF-style: chr8-47840101-G-A. GRCh37 (hg19) VCF-style: chr8-48752662-G-A.
Other names: c.7369C>T, p.Pro2457Ser (NM_001081640.2); short protein forms P2457S.
Identifiers: ClinVar variation 1392487 (VCV001392487.6), dbSNP rs763641731, ClinGen allele CA176157113.